The following is an entry in ClinVar:

ClinVar aggregate classification (germline): Pathogenic/Likely pathogenic. Review status: criteria provided, multiple submitters, no conflicts (2 of 4 stars). 3 submissions from 3 submitters: Pathogenic (2); Likely pathogenic (1). Last evaluated 2024-01-25.

Conditions:
Breast cancer, susceptibility to. Identifiers: MedGen C3469522. Disease mechanism: gain of function.
Prostate cancer susceptibility. Also called: PROSTATE CANCER, SUSCEPTIBILITY TO. Identifiers: MedGen C3469524.
Hereditary cancer-predisposing syndrome. Also called: Tumor predisposition; Neoplastic Syndromes, Hereditary; Hereditary neoplastic syndrome; Hereditary Cancer Syndrome. Identifiers: Orphanet 140162, MedGen C0027672, MeSH D009386, MONDO:0015356.
Familial cancer of breast. Also called: BREAST CANCER, FAMILIAL; Hereditary breast cancer; hereditary breast carcinoma. Identifiers: Orphanet 227535, MedGen C0346153, MONDO:0016419, OMIM 114480. Disease mechanism: loss of function.

Submissions (3):

Ambry Genetics
Classification: Pathogenic for Hereditary cancer-predisposing syndrome. Last evaluated: 2024-01-25. Review status: criteria provided, single submitter. Criteria: Ambry Variant Classification Scheme 2023. Collection method: clinical testing. Allele origin: germline.
Comment: The p.Y156* pathogenic mutation (also known as c.468C>G), located in coding exon 3 of the CHEK2 gene, results from a C to G substitution at nucleotide position 468. This changes the amino acid from a tyrosine to a stop codon within coding exon 3. This variant is considered to be rare based on population cohorts in the Genome Aggregation Database (gnomAD). This alteration is expected to result in loss of function by premature protein truncation or nonsense-mediated mRNA decay. As such, this alteration is interpreted as a disease-causing mutation.

Labcorp Genetics (formerly Invitae), Labcorp
Classification: Pathogenic for Familial cancer of breast. Last evaluated: 2023-04-08. Review status: criteria provided, single submitter. Criteria: Invitae Variant Classification Sherloc (09022015). Collection method: clinical testing. Allele origin: germline.
Comment: ClinVar contains an entry for this variant (Variation ID: 850015). For these reasons, this variant has been classified as Pathogenic. This variant has not been reported in the literature in individuals affected with CHEK2-related conditions. This variant is not present in population databases (gnomAD no frequency). This sequence change creates a premature translational stop signal (p.Tyr156*) in the CHEK2 gene. It is expected to result in an absent or disrupted protein product. Loss-of-function variants in CHEK2 are known to be pathogenic (PMID: 21876083, 24713400).

Human Genome Sequencing Center Clinical Lab, Baylor College of Medicine
Classification: Likely pathogenic for Susceptibility to breast cancer; Susceptibility to prostate cancer. Last evaluated: 2019-01-29. Review status: criteria provided, single submitter. Criteria: ACMG Guidelines, 2015. Collection method: clinical testing. Allele origin: germline.
Comment: This c.597C>G (p.Tyr199*) variant in exon 5 of the CHEK2 gene creates a stop codon which is predicted to lead to nonsense-mediated mRNA decay, which is a known disease mechanism for this gene. This variant is not observed in the gnomAD population databases. Therefore, the c.597C>G (p.Tyr199*) variant in the CHEK2 gene is classified as likely pathogenic.

Literature cited by the submitters: PubMed 21876083 (cited by Labcorp Genetics (formerly Invitae), Labcorp); PubMed 24713400 (cited by Labcorp Genetics (formerly Invitae), Labcorp).

NM_007194.4(CHEK2):c.468C>G (p.Tyr156Ter)

Gene: CHEK2 (checkpoint kinase 2; minus strand). Cytogenetic location: 22q12.1.
Variant type: single nucleotide variant.
Coding change: c.468C>G on transcript NM_007194.4 (MANE Select); coding-DNA position 468, C replaced by G.
Protein change: p.Tyr156Ter; replaces tyrosine 156 with a stop codon.
Molecular consequence: nonsense. On other transcripts: 5 prime UTR variant (2), intron variant (1).
Genome position (GRCh38, 1-based): chr22:28,725,101, G>C on the plus strand (C>G on the coding strand, the complement: CHEK2 is on the minus strand). VCF-style: chr22-28725101-G-C. GRCh37 (hg19) VCF-style: chr22-29121089-G-C.
Other names: c.597C>G, p.Tyr199Ter (NM_001005735.3, NM_001438294.1); c.-310C>G (NM_001257387.3); c.-196C>G (NM_001437942.1); c.561C>G, p.Tyr187Ter (NM_001438293.1, NM_001438295.1); c.468C>G, p.Tyr156Ter (NM_145862.3); c.444+142C>G (NM_001349956.3); short protein forms Y156*, Y199*, Y187*.
Identifiers: ClinVar variation 850015 (VCV000850015.10), dbSNP rs1555926996, ClinGen allele CA411107667.